The following is an entry in ClinVar:

NM_005732.4(RAD50):c.2440del (p.Ala814fs)

Gene: RAD50 (RAD50 double strand break repair protein; plus strand). Cytogenetic location: 5q31.1.
Variant type: Deletion.
Coding change: c.2440del on transcript NM_005732.4 (MANE Select); coding-DNA position 2440, one base deleted (G; older notation c.2440delG).
Protein change: p.Ala814fs; shifts the reading frame from alanine 814.
Molecular consequence: frameshift variant.
Genome position (GRCh38, 1-based): chr5:132,603,962, G deleted. VCF-style (leftmost placement, unchanged base first): chr5-132603961-AG-A. GRCh37 (hg19) VCF-style: chr5-131939653-AG-A.
Other names: short protein forms A814fs.
Identifiers: ClinVar variation 3728081 (VCV003728081.2).

ClinVar aggregate classification (germline): Pathogenic (1 of 4 stars; one submission).

Conditions:
Hereditary cancer-predisposing syndrome. Also called: Hereditary Cancer Syndrome; Hereditary neoplastic syndrome; Neoplastic Syndromes, Hereditary; Tumor predisposition. Identifiers: Orphanet 140162, MedGen C0027672, MeSH D009386, MONDO:0015356.

Submission:

Labcorp Genetics (formerly Invitae), Labcorp
Classification: Pathogenic for Hereditary cancer-predisposing syndrome. Last evaluated: 2024-12-26. Review status: criteria provided, single submitter. Criteria: Invitae Variant Classification Sherloc (09022015). Collection method: clinical testing. Allele origin: germline.
Comment: This sequence change creates a premature translational stop signal (p.Ala814Leufs*6) in the RAD50 gene. It is expected to result in an absent or disrupted protein product. Loss-of-function variants in RAD50 are known to be pathogenic (PMID: 19409520). This variant is not present in population databases (gnomAD no frequency). This variant has not been reported in the literature in individuals affected with RAD50-related conditions. Algorithms developed to predict the effect of sequence changes on RNA splicing suggest that this variant may disrupt the consensus splice site. For these reasons, this variant has been classified as Pathogenic.

Literature cited by the submitters: PubMed 19409520.